The following is an entry in ClinVar:

NM_001363711.2(DUOX2):c.979G>T (p.Glu327Ter)

Gene: DUOX2 (dual oxidase 2; minus strand). Cytogenetic location: 15q21.1.
Variant type: single nucleotide variant.
Coding change: c.979G>T on transcript NM_001363711.2 (MANE Select); coding-DNA position 979, G replaced by T.
Protein change: p.Glu327Ter; replaces glutamic acid 327 with a stop codon.
Molecular consequence: nonsense.
Genome position (GRCh38, 1-based): chr15:45,110,489, C>A on the plus strand (G>T on the coding strand, the complement: DUOX2 is on the minus strand). VCF-style: chr15-45110489-C-A. GRCh37 (hg19) VCF-style: chr15-45402687-C-A.
Other names: c.979G>T, p.Glu327Ter (NM_014080.5); c.979G>T (NM_014080.4); short protein forms E327*.
Identifiers: ClinVar variation 3577202 (VCV003577202.4).

ClinVar aggregate classification (germline): Pathogenic. Review status: criteria provided, multiple submitters, no conflicts (2 of 4 stars). 2 submissions from 2 submitters: Pathogenic (2). Last evaluated 2024-06-07.

Conditions:
Thyroid dyshormonogenesis 6 (TDH6). Also called: HYPOTHYROIDISM, CONGENITAL, DUE TO DYSHORMONOGENESIS, 6; THYROID HORMONOGENESIS, GENETIC DEFECT IN, 6; Genetic transient congenital hypothyroidism. Identifiers: Orphanet 226316, Orphanet 95716, MedGen C1846632, MONDO:0011792, OMIM 607200.

gnomAD v4.1: 17 of 1,614,010 alleles (0.0011%); highest among the groups gnomAD compares: East Asian, 0.038%; no homozygotes.

Submissions (2):

Fulgent Genetics
Classification: Pathogenic for Thyroid dyshormonogenesis 6. Last evaluated: 2024-06-07. Review status: criteria provided, single submitter. Criteria: ACMG Guidelines, 2015. Collection method: clinical testing. Allele origin: germline.

Juno Genomics, Hangzhou Juno Genomics, Inc
Classification: Pathogenic for Thyroid dyshormonogenesis 6. Review status: criteria provided, single submitter. Criteria: ACMG Guidelines, 2015. Collection method: clinical testing. Allele origin: germline.
Comment: Absent from controls (or at extremely low frequency if recessive) in Genome Aggregation Database.;Null variant in a gene where loss of function (LOF) is a known mechanism of disease.;For recessive disorders, detected in trans with a pathogenic variant.;Patient's phenotype or family history is highly specific for a disease with a single genetic etiology.